The following is an entry in ClinVar:

ClinVar aggregate classification (germline): Uncertain significance (1 of 4 stars; one submission).

gnomAD v4.1: 74 of 1,613,320 alleles (0.0046%); highest among the groups gnomAD compares: Non-Finnish European, 0.0058%; no homozygotes.

Submission:

Labcorp Genetics (formerly Invitae), Labcorp
Classification: Uncertain significance. Last evaluated: 2025-11-08. Review status: criteria provided, single submitter. Criteria: Invitae Variant Classification Sherloc (09022015). Collection method: clinical testing. Allele origin: germline.
Comment: This sequence change replaces asparagine, which is neutral and polar, with serine, which is neutral and polar, at codon 636 of the DIP2C protein (p.Asn636Ser). The frequency data for this variant in the population databases is considered unreliable, as metrics indicate poor data quality at this position in the gnomAD database. This variant has not been reported in the literature in individuals affected with DIP2C-related conditions. ClinVar contains an entry for this variant (Variation ID: 3614031). An algorithm developed to predict the effect of missense changes on protein structure and function (PolyPhen-2) suggests that this variant is likely to be tolerated. In summary, the available evidence is currently insufficient to determine the role of this variant in disease. Therefore, it has been classified as a Variant of Uncertain Significance.

NM_014974.3(DIP2C):c.1907A>G (p.Asn636Ser)

Gene: DIP2C (DIP2 acetate--CoA ligase C (putative); minus strand). Cytogenetic location: 10p15.3.
Variant type: single nucleotide variant.
Coding change: c.1907A>G on transcript NM_014974.3 (MANE Select); coding-DNA position 1907, A replaced by G.
Protein change: p.Asn636Ser; replaces asparagine 636 with serine.
Molecular consequence: missense variant.
Genome position (GRCh38, 1-based): chr10:382,731, T>C on the plus strand (A>G on the coding strand, the complement: DIP2C is on the minus strand). VCF-style: chr10-382731-T-C. GRCh37 (hg19) VCF-style: chr10-428671-T-C.
Other names: short protein forms N636S.
Identifiers: ClinVar variation 3614031 (VCV003614031.2).